The following is an entry in ClinVar:

ClinVar aggregate classification (germline): Likely pathogenic (1 of 4 stars; one submission).

Submission:

GeneDx
Classification: Likely pathogenic. Last evaluated: 2018-11-09. Review status: criteria provided, single submitter. Criteria: GeneDx Variant Classification (06012015). Collection method: clinical testing. Allele origin: germline. Affected: yes.
Comment: The Q97P variant has been published previously in association with cyclic neutropenia (Juranovic et al., 2014). The variant is not observed in large population cohorts (Lek et al., 2016; 1000 Genomes Consortium et al., 2015; Exome Variant Server). Q97P is a non-conservative amino acid substitution, which is likely to impact secondary protein structure as these residues differ in polarity, charge, size and/or other properties. This substitution occurs at a position within the peptidase S1 domain that is conserved across species; however, in silico analysis is inconsistent in its predictions as to whether or not the variant is damaging to the protein structure/function. Missense variants in the same residue (Q97L) and in nearby residues (F99S, V101M, Q102P) have been reported in the Human Gene Mutation Database in association with ELANE-related disorders (Stenson et al., 2014), supporting the functional importance of this region of the protein. In summary, this variant is likely pathogenic; however, the possibility that it is benign cannot be excluded.

NM_001972.4(ELANE):c.290A>C (p.Gln97Pro)

Gene: ELANE (elastase, neutrophil expressed; plus strand). Cytogenetic location: 19p13.3.
Variant type: single nucleotide variant.
Coding change: c.290A>C on transcript NM_001972.4 (MANE Select); coding-DNA position 290, A replaced by C.
Protein change: p.Gln97Pro; replaces glutamine 97 with proline.
Molecular consequence: missense variant.
Genome position (GRCh38, 1-based): chr19:853,327, A>C. VCF-style: chr19-853327-A-C. GRCh37 (hg19) VCF-style: chr19-853327-A-C.
Other names: c.290A>C (LRG_57t1); short protein forms Q97P.
Identifiers: ClinVar variation 426627 (VCV000426627.2), dbSNP rs1085307717, ClinGen allele CA402916021.